The following is an entry in ClinVar:

ClinVar aggregate classification (germline): Uncertain significance (1 of 4 stars; one submission).

Conditions:
Severe combined immunodeficiency due to DCLRE1C deficiency (RS-SCID). Also called: SCID, AUTOSOMAL RECESSIVE, T CELL-NEGATIVE, B CELL-NEGATIVE, NK CELL-POSITIVE, WITH SENSITIVITY TO IONIZING RADIATION. Identifiers: Orphanet 275, MedGen C1865371, MONDO:0011225, OMIM 602450.

Submission:

Labcorp Genetics (formerly Invitae), Labcorp
Classification: Uncertain significance for Athabaskan severe combined immunodeficiency. Last evaluated: 2022-04-05. Review status: criteria provided, single submitter. Criteria: Invitae Variant Classification Sherloc (09022015). Collection method: clinical testing. Allele origin: germline.
Comment: In summary, the available evidence is currently insufficient to determine the role of this variant in disease. Therefore, it has been classified as a Variant of Uncertain Significance. Experimental studies and prediction algorithms are not available or were not evaluated, and the functional significance of this variant is currently unknown. This variant has not been reported in the literature in individuals affected with DCLRE1C-related conditions. This variant results in a copy number gain of the genomic region encompassing exon(s) 1-7 of the DCLRE1C gene. This region includes the initiator codon of the gene. This copy number gain extends beyond the assayed region for this gene and therefore may encompass additional genes. As the precise location of this event is unknown, it may be in tandem or it may be located elsewhere in the genome.

NC_000010.10:g.(?_14976682)_(14996009_?)dup

Gene: DCLRE1C (DNA cross-link repair 1C; minus strand). Cytogenetic location: 10p13.
Variant type: Duplication.
Identifiers: ClinVar variation 2423516 (VCV002423516.4).